The following is an entry in ClinVar:

NM_004336.5(BUB1):c.2662G>A (p.Val888Met)

Gene: BUB1 (BUB1 mitotic checkpoint serine/threonine kinase; minus strand). Cytogenetic location: 2q13.
Variant type: single nucleotide variant.
Coding change: c.2662G>A on transcript NM_004336.5 (MANE Select); coding-DNA position 2662, G replaced by A.
Protein change: p.Val888Met; replaces valine 888 with methionine.
Molecular consequence: missense variant. On other transcripts: intron variant (1).
Genome position (GRCh38, 1-based): chr2:110,641,428, C>T on the plus strand (G>A on the coding strand, the complement: BUB1 is on the minus strand). VCF-style: chr2-110641428-C-T. GRCh37 (hg19) VCF-style: chr2-111399005-C-T.
Other names: c.2602G>A, p.Val868Met (NM_001278616.2); c.2625+214G>A (NM_001278617.2); short protein forms V888M, V868M.
Identifiers: ClinVar variation 1794465 (VCV001794465.2), dbSNP rs1689501515, ClinGen allele CA348089894.

ClinVar aggregate classification (germline): Uncertain significance (1 of 4 stars; one submission).

gnomAD v4.1: 2 of 1,613,426 alleles (0.00012%); highest among the groups gnomAD compares: South Asian, 0.0011%; no homozygotes.

Submission:

Ambry Genetics
Classification: Uncertain significance. Last evaluated: 2022-10-28. Review status: criteria provided, single submitter. Criteria: Ambry Variant Classification Scheme 2023. Collection method: clinical testing. Allele origin: germline.
Comment: The p.V888M variant (also known as c.2662G>A), located in coding exon 22 of the BUB1 gene, results from a G to A substitution at nucleotide position 2662. The valine at codon 888 is replaced by methionine, an amino acid with highly similar properties. This amino acid position is conserved. In addition, this alteration is predicted to be tolerated by in silico analysis. Since supporting evidence is limited at this time, the clinical significance of this alteration remains unclear.